The following is an entry in ClinVar:

ClinVar aggregate classification (germline): Uncertain significance. Review status: criteria provided, multiple submitters, no conflicts (2 of 4 stars). 2 submissions from 2 submitters: Uncertain significance (2). Last evaluated 2025-12-24.

Conditions:
Pheochromocytoma/paraganglioma syndrome 5. Also called: Paragangliomas 5; SDHA-Related Hereditary Paraganglioma-Pheochromocytoma Syndrome. Identifiers: Orphanet 29072, MedGen C3279992, MONDO:0013602, OMIM 614165.
Mitochondrial complex II deficiency, nuclear type 1. Also called: SUCCINATE CoQ REDUCTASE DEFICIENCY. Identifiers: Orphanet 3208, MedGen C5700310, MONDO:0100294, OMIM 252011.
Hereditary cancer-predisposing syndrome. Also called: Tumor predisposition; Neoplastic Syndromes, Hereditary; Hereditary Cancer Syndrome; Hereditary neoplastic syndrome. Identifiers: Orphanet 140162, MedGen C0027672, MeSH D009386, MONDO:0015356.

Submissions (2):

Labcorp Genetics (formerly Invitae), Labcorp
Classification: Uncertain significance for Pheochromocytoma/paraganglioma syndrome 5; Mitochondrial complex II deficiency, nuclear type 1. Last evaluated: 2025-12-24. Review status: criteria provided, single submitter. Criteria: Invitae Variant Classification Sherloc (09022015). Collection method: clinical testing. Allele origin: germline.
Comment: This sequence change replaces methionine, which is neutral and non-polar, with valine, which is neutral and non-polar, at codon 494 of the SDHA protein (p.Met494Val). This variant is not present in population databases (gnomAD no frequency). This variant has not been reported in the literature in individuals affected with SDHA-related conditions. ClinVar contains an entry for this variant (Variation ID: 643461). Invitae Evidence Modeling of protein sequence and biophysical properties (such as structural, functional, and spatial information, amino acid conservation, physicochemical variation, residue mobility, and thermodynamic stability) indicates that this missense variant is not expected to disrupt SDHA protein function with a negative predictive value of 95%. In summary, the available evidence is currently insufficient to determine the role of this variant in disease. Therefore, it has been classified as a Variant of Uncertain Significance.

Ambry Genetics
Classification: Uncertain significance for Hereditary cancer-predisposing syndrome. Last evaluated: 2024-11-09. Review status: criteria provided, single submitter. Criteria: Ambry Variant Classification Scheme 2023. Collection method: clinical testing. Allele origin: germline.
Comment: The p.M494V variant (also known as c.1480A>G), located in coding exon 11 of the SDHA gene, results from an A to G substitution at nucleotide position 1480. The methionine at codon 494 is replaced by valine, an amino acid with highly similar properties. This amino acid position is poorly conserved in available vertebrate species. In addition, this alteration is predicted to be tolerated by in silico analysis. Based on the available evidence, the clinical significance of this variant remains unclear.

NM_004168.4(SDHA):c.1480A>G (p.Met494Val)

Gene: SDHA (succinate dehydrogenase complex flavoprotein subunit A; plus strand). Cytogenetic location: 5p15.33.
Variant type: single nucleotide variant.
Coding change: c.1480A>G on transcript NM_004168.4 (MANE Select); coding-DNA position 1480, A replaced by G.
Protein change: p.Met494Val; replaces methionine 494 with valine.
Molecular consequence: missense variant.
Genome position (GRCh38, 1-based): chr5:240,405, A>G. VCF-style: chr5-240405-A-G. GRCh37 (hg19) VCF-style: chr5-240520-A-G.
Other names: c.1336A>G, p.Met446Val (NM_001294332.2); c.1480A>G, p.Met494Val (NM_001330758.2); c.1480A>G (NM_004168.2); short protein forms M494V, M446V.
Identifiers: ClinVar variation 643461 (VCV000643461.10), dbSNP rs1579417628, ClinGen allele CA359014256.